The following is an entry in ClinVar:

NM_007194.4(CHEK2):c.1107T>G (p.Phe369Leu)

Gene: CHEK2 (checkpoint kinase 2; minus strand). Cytogenetic location: 22q12.1.
Variant type: single nucleotide variant.
Coding change: c.1107T>G on transcript NM_007194.4 (MANE Select); coding-DNA position 1107, T replaced by G.
Protein change: p.Phe369Leu; replaces phenylalanine 369 with leucine.
Molecular consequence: missense variant.
Genome position (GRCh38, 1-based): chr22:28,695,862, A>C on the plus strand (T>G on the coding strand, the complement: CHEK2 is on the minus strand). VCF-style: chr22-28695862-A-C. GRCh37 (hg19) VCF-style: chr22-29091850-A-C.
Other names: c.1236T>G, p.Phe412Leu (NM_001005735.3); c.444T>G, p.Phe148Leu (NM_001257387.3); c.906T>G, p.Phe302Leu (NM_001349956.3); c.1020T>G, p.Phe340Leu (NM_145862.3); short protein forms F369L, F302L, F148L, F340L, F412L.
Identifiers: ClinVar variation 460784 (VCV000460784.12), dbSNP rs1555913927, ClinGen allele CA411097152.

ClinVar aggregate classification (germline): Uncertain significance. Review status: criteria provided, multiple submitters, no conflicts (2 of 4 stars). 2 submissions from 2 submitters: Uncertain significance (2). Last evaluated 2025-11-01.

Conditions:
Hereditary cancer-predisposing syndrome. Also called: Neoplastic Syndromes, Hereditary; Tumor predisposition; Hereditary Cancer Syndrome; Hereditary neoplastic syndrome. Identifiers: Orphanet 140162, MedGen C0027672, MeSH D009386, MONDO:0015356.
Familial cancer of breast. Also called: BREAST CANCER, FAMILIAL; hereditary breast carcinoma; Hereditary breast cancer. Identifiers: Orphanet 227535, MedGen C0346153, MONDO:0016419, OMIM 114480. Disease mechanism: loss of function.

Submissions (2):

Labcorp Genetics (formerly Invitae), Labcorp
Classification: Uncertain significance for Familial cancer of breast. Last evaluated: 2025-11-01. Review status: criteria provided, single submitter. Criteria: Invitae Variant Classification Sherloc (09022015). Collection method: clinical testing. Allele origin: germline.
Comment: This sequence change replaces phenylalanine, which is neutral and non-polar, with leucine, which is neutral and non-polar, at codon 369 of the CHEK2 protein (p.Phe369Leu). This variant is not present in population databases (gnomAD no frequency). This variant has not been reported in the literature in individuals affected with CHEK2-related conditions. ClinVar contains an entry for this variant (Variation ID: 460784). An algorithm developed to predict the effect of missense changes on protein structure and function (PolyPhen-2) suggests that this variant is likely to be disruptive. In summary, the available evidence is currently insufficient to determine the role of this variant in disease. Therefore, it has been classified as a Variant of Uncertain Significance.

Ambry Genetics
Classification: Uncertain significance for Hereditary cancer-predisposing syndrome. Last evaluated: 2020-10-13. Review status: criteria provided, single submitter. Criteria: Ambry Variant Classification Scheme 2023. Collection method: clinical testing. Allele origin: germline.
Comment: The p.F369L variant (also known as c.1107T>G), located in coding exon 10 of the CHEK2 gene, results from a T to G substitution at nucleotide position 1107. The phenylalanine at codon 369 is replaced by leucine, an amino acid with highly similar properties. This amino acid position is highly conserved in available vertebrate species. In addition, this alteration is predicted to be deleterious by in silico analysis. Since supporting evidence is limited at this time, the clinical significance of this alteration remains unclear.